The following is an entry in ClinVar:

NM_015338.6(ASXL1):c.4442G>C (p.Gly1481Ala)

Gene: ASXL1 (ASXL transcriptional regulator 1; plus strand). Cytogenetic location: 20q11.21.
Variant type: single nucleotide variant.
Coding change: c.4442G>C on transcript NM_015338.6 (MANE Select); coding-DNA position 4442, G replaced by C.
Protein change: p.Gly1481Ala; replaces glycine 1481 with alanine.
Molecular consequence: missense variant.
Genome position (GRCh38, 1-based): chr20:32,437,154, G>C. VCF-style: chr20-32437154-G-C. GRCh37 (hg19) VCF-style: chr20-31024957-G-C.
Other names: c.4259G>C, p.Gly1420Ala (NM_001363734.1); short protein forms G1481A, G1420A.
Identifiers: ClinVar variation 3792607 (VCV003792607.1).
Genomic context (GRCh38, chr20:32,437,154, plus strand): 5'-CCACCTTTCCCAAAGGCCTTGCTGGAAGTGTGGTGCAGCTGAGCCACAAAGCAAACTTTG[G>C]TGCGAGCCACAGTGCATCACTTTCCTTGCAAATGTTCACTGACAGCAGCACGGTGGAAAG-3'
Protein context (NP_056153.2, residues 1471-1491): VVQLSHKANF[Gly1481Ala]ASHSASLSLQ

ClinVar aggregate classification (germline): Uncertain significance (1 of 4 stars; one submission).

Conditions:
Inborn genetic diseases. Identifiers: MedGen C0950123, MeSH D030342.

Submission:

Ambry Genetics
Classification: Uncertain significance for Inborn genetic diseases. Last evaluated: 2025-01-22. Review status: criteria provided, single submitter. Criteria: Ambry Variant Classification Scheme 2023. Collection method: clinical testing. Allele origin: germline.
Comment: The p.G1481A variant (also known as c.4442G>C), located in coding exon 13 of the ASXL1 gene, results from a G to C substitution at nucleotide position 4442. The glycine at codon 1481 is replaced by alanine, an amino acid with similar properties. This amino acid position is conserved. In addition, this alteration is predicted to be tolerated by in silico analysis. Based on the available evidence, the clinical significance of this variant remains unclear.